The following is an entry in ClinVar:

NM_000256.3(MYBPC3):c.1199G>A (p.Gly400Asp)

Gene: MYBPC3 (myosin binding protein C3; minus strand). Cytogenetic location: 11p11.2.
Variant type: single nucleotide variant.
Coding change: c.1199G>A on transcript NM_000256.3 (MANE Select); coding-DNA position 1199, G replaced by A.
Protein change: p.Gly400Asp; replaces glycine 400 with aspartic acid.
Molecular consequence: missense variant.
Genome position (GRCh38, 1-based): chr11:47,343,516, C>T on the plus strand (G>A on the coding strand, the complement: MYBPC3 is on the minus strand). VCF-style: chr11-47343516-C-T. GRCh37 (hg19) VCF-style: chr11-47365067-C-T.
Other names: short protein forms G400D.
Identifiers: ClinVar variation 1999137 (VCV001999137.5), dbSNP rs2495765502, ClinGen allele CA380328603.
Genomic context (GRCh38, chr11:47,343,516, plus strand): 5'-CTCCACCCGAGCCCCCCTCCCCACCCCAGGCTGCACCTGCCGCTCATCTGGATCTCCTGG[C>T]CATTCTTGAGCCATTTGACCTCAGCGTCATGGTCAGCCAGTTCCACGGTCAGCCGGATCT-3'
Protein context (NP_000247.2, residues 390-410): HDAEVKWLKN[Gly400Asp]QEIQMSGSKY

ClinVar aggregate classification (germline): Uncertain significance. Review status: criteria provided, multiple submitters, no conflicts (2 of 4 stars). 2 submissions from 2 submitters: Uncertain significance (2). Last evaluated 2023-06-08.

Conditions:
Hypertrophic cardiomyopathy. Also called: HYPERTROPHIC MYOCARDIOPATHY. Identifiers: Orphanet 217569, MedGen C0007194, MeSH D002312, MONDO:0005045, HP:0001639.

Submissions (2):

All of Us Research Program, National Institutes of Health
Classification: Uncertain significance for Hypertrophic cardiomyopathy. Last evaluated: 2023-06-08. Review status: criteria provided, single submitter. Criteria: ACMG Guidelines, 2015. Collection method: clinical testing. Allele origin: germline. Inheritance: Autosomal dominant inheritance. Observed: 1 variant allele, 1 heterozygote.
Comment: This missense variant replaces glycine with aspartic acid at codon 400 of the MYBPC3 protein. Computational prediction is inconclusive regarding the impact of this variant on protein structure and function (internally defined REVEL score threshold 0.5 < inconclusive < 0.7, PMID: 27666373). To our knowledge, functional studies have not been reported for this variant. This variant has not been reported in individuals affected with MYBPC3-related disorders in the literature. This variant has not been identified in the general population by the Genome Aggregation Database (gnomAD). The available evidence is insufficient to determine the role of this variant in disease conclusively. Therefore, this variant is classified as a Variant of Uncertain Significance.

This study involves interpretation of variants in research participants for the purpose of population health screening. Participant phenotype was not available at the time of variant classification. Additional details can be found in publication PMID: 35346344, PMCID: PMC8962531

Labcorp Genetics (formerly Invitae), Labcorp
Classification: Uncertain significance for Hypertrophic cardiomyopathy. Last evaluated: 2022-05-26. Review status: criteria provided, single submitter. Criteria: Invitae Variant Classification Sherloc (09022015). Collection method: clinical testing. Allele origin: germline.
Comment: In summary, the available evidence is currently insufficient to determine the role of this variant in disease. Therefore, it has been classified as a Variant of Uncertain Significance. Algorithms developed to predict the effect of missense changes on protein structure and function are either unavailable or do not agree on the potential impact of this missense change (SIFT: "Deleterious"; PolyPhen-2: "Probably Damaging"; Align-GVGD: "Class C0"). This variant has not been reported in the literature in individuals affected with MYBPC3-related conditions. This variant is not present in population databases (gnomAD no frequency). This sequence change replaces glycine, which is neutral and non-polar, with aspartic acid, which is acidic and polar, at codon 400 of the MYBPC3 protein (p.Gly400Asp).